The following is an entry in ClinVar:

ClinVar aggregate classification (germline): Uncertain significance (1 of 4 stars; one submission).

Conditions:
Left ventricular noncompaction 1 (LVNC1). Also called: LEFT VENTRICULAR NONCOMPACTION 1 WITH OR WITHOUT CONGENITAL HEART DEFECTS. Identifiers: Orphanet 54260, MedGen C1858725, MONDO:0011403, OMIM 604169.

Allele frequency attached by ClinVar (database versions not stated): gnomAD exomes below 0.00001; TOPMed below 0.00001.
gnomAD v4.1: 1 of 1,613,234 alleles (0.000062%); highest among the groups gnomAD compares: Non-Finnish European, 0.000085%; no homozygotes.

Submission:

Labcorp Genetics (formerly Invitae), Labcorp
Classification: Uncertain significance for Left ventricular noncompaction 1. Last evaluated: 2021-06-21. Review status: criteria provided, single submitter. Criteria: Invitae Variant Classification Sherloc (09022015). Collection method: clinical testing. Allele origin: germline.
Comment: In summary, the available evidence is currently insufficient to determine the role of this variant in disease. Therefore, it has been classified as a Variant of Uncertain Significance. Algorithms developed to predict the effect of missense changes on protein structure and function output the following: SIFT: "Tolerated"; PolyPhen-2: "Benign"; Align-GVGD: "Class C0". The histidine amino acid residue is found in multiple mammalian species, suggesting that this missense change does not adversely affect protein function. These predictions have not been confirmed by published functional studies and their clinical significance is uncertain. This variant has not been reported in the literature in individuals with DTNA-related conditions. This variant is not present in population databases (ExAC no frequency). This sequence change replaces glutamine with histidine at codon 390 of the DTNA protein (p.Gln390His). The glutamine residue is weakly conserved and there is a small physicochemical difference between glutamine and histidine.

NM_001386795.1(DTNA):c.1260G>T (p.Gln420His)

Gene: DTNA (dystrobrevin alpha; plus strand). Cytogenetic location: 18q12.1.
Variant type: single nucleotide variant.
Coding change: c.1260G>T on transcript NM_001386795.1 (MANE Select); coding-DNA position 1260, G replaced by T.
Protein change: p.Gln420His; replaces glutamine 420 with histidine.
Molecular consequence: missense variant. On other transcripts: intron variant (33).
Genome position (GRCh38, 1-based): chr18:34,838,751, G>T. VCF-style: chr18-34838751-G-T. GRCh37 (hg19) VCF-style: chr18-32418715-G-T.
Other names: c.306G>T, p.Gln102His (NM_001198942.1); c.1260G>T, p.Gln420His (NM_001386788.1); c.1179G>T, p.Gln393His (NM_001390.5, NM_001391.5); c.1170G>T, p.Gln390His (NM_032978.7); c.1095-9545G>T (NM_032975.4, NM_001386761.1, NM_001386762.1 and 1 more transcripts); c.1175+9262G>T (NM_001386754.1, NM_001386755.1, NM_001386760.1 and 5 more transcripts); c.1086-9545G>T (NM_001386763.1, NM_001386764.1, NM_001386768.1 and 13 more transcripts); c.604-13080G>T (NM_001198945.2); and 4 more; short protein forms Q393H, Q390H, Q102H, Q420H.
Identifiers: ClinVar variation 947771 (VCV000947771.8), dbSNP rs1603075327, ClinGen allele CA402172219.
Genomic context (GRCh38, chr18:34,838,751, plus strand): 5'-ATTTCTGTCCACCTCTCTTAACAACACGCTTTCTTTCCCCCTGCCCTGTTTCAGGATACA[G>T]TACAGCCTGAATGTGGCAGACAGGCTAGCTGATGAACATGTTCTCATCGGGTTGTATGTC-3'
Protein context (NP_001373724.1, residues 410-430): APAFLKGKGI[Gln420His]YSLNVADRLA